The following is an entry in ClinVar:

ClinVar aggregate classification (germline): Pathogenic. Review status: criteria provided, multiple submitters, no conflicts (2 of 4 stars). 2 submissions from 2 submitters: Pathogenic (2). Last evaluated 2023-09-17.

Conditions:
Von Hippel-Lindau syndrome (VHLS). Also called: VHL syndrome; Von Hippel-Lindau; von Hippel–Lindau syndrome. Identifiers: Orphanet 892, MedGen C0019562, MONDO:0008667, OMIM 193300. Disease mechanism: loss of function.
Chuvash polycythemia. Also called: POLYCYTHEMIA, VHL-DEPENDENT. Identifiers: Orphanet 238557, MedGen C1837915, MONDO:0009892, OMIM 263400.
Hereditary cancer-predisposing syndrome. Also called: Tumor predisposition; Hereditary Cancer Syndrome; Hereditary neoplastic syndrome; Neoplastic Syndromes, Hereditary. Identifiers: Orphanet 140162, MedGen C0027672, MeSH D009386, MONDO:0015356.

Submissions (2):

Labcorp Genetics (formerly Invitae), Labcorp
Classification: Pathogenic for Von Hippel-Lindau syndrome; Chuvash polycythemia. Last evaluated: 2023-09-17. Review status: criteria provided, single submitter. Criteria: Invitae Variant Classification Sherloc (09022015). Collection method: clinical testing. Allele origin: germline.
Comment: This variant is also known as 393delG. This sequence change creates a premature translational stop signal (p.Val62Cysfs*5) in the VHL gene. It is expected to result in an absent or disrupted protein product. Loss-of-function variants in VHL are known to be pathogenic (PMID: 8956040, 12202531). This variant is not present in population databases (gnomAD no frequency). This premature translational stop signal has been observed in individual(s) with von Hippel-Lindau syndrome (PMID: 7728151). ClinVar contains an entry for this variant (Variation ID: 182986). For these reasons, this variant has been classified as Pathogenic.

GeneDx
Classification: Pathogenic for Neoplastic Syndromes, Hereditary. Last evaluated: 2014-06-03. Review status: criteria provided, single submitter. Criteria: GeneDx Variant Classification (06012015). Collection method: clinical testing. Allele origin: germline. Affected: yes.
Comment: The c.180delG mutation in the VHL gene has been reported previously (as 393delG) in association with von Hippel-Lindau (VHL) syndrome (Stolle et al., 1998). The deletion causes a frameshift starting with codon Valine 62, changes this amino acid to a Cysteine residue and creates a premature Stop codon at position 5 of the new reading frame, denoted p.Val62CysfsX5. This mutation is predicted to cause loss of normal protein function either through protein truncation or nonsense-mediated mRNA decay. The variant is found in VHL panel(s).

Literature cited by the submitters: PubMed 8956040 (cited by Labcorp Genetics (formerly Invitae), Labcorp); PubMed 12202531 (cited by Labcorp Genetics (formerly Invitae), Labcorp); PubMed 7728151 (cited by Labcorp Genetics (formerly Invitae), Labcorp).

NM_000551.4(VHL):c.180del (p.Val62fs)

Gene: VHL (von Hippel-Lindau tumor suppressor; plus strand). Cytogenetic location: 3p25.3.
Variant type: Deletion.
Coding change: c.180del on transcript NM_000551.4 (MANE Select); coding-DNA position 180, one base deleted (G; older notation c.180delG).
Protein change: p.Val62fs; shifts the reading frame from valine 62.
Molecular consequence: frameshift variant.
Genome position (GRCh38, 1-based): chr3:10,142,027, G deleted; the last of 2 consecutive G bases (chr3:10,142,026-10,142,027); deleting either gives the same sequence. VCF-style (leftmost placement, unchanged base first): chr3-10142025-CG-C. GRCh37 (hg19) VCF-style: chr3-10183709-CG-C.
Other names: c.180delG (NM_000551.3); c.180del, p.Val62fs (NM_001354723.2, NM_198156.3); short protein forms V62fs.
Identifiers: ClinVar variation 182986 (VCV000182986.4), dbSNP rs730882037, ClinGen allele CA020069.